The following is an entry in ClinVar:

NM_007194.4(CHEK2):c.644del (p.Ala215fs)

Gene: CHEK2 (checkpoint kinase 2; minus strand). Cytogenetic location: 22q12.1.
Variant type: Deletion.
Coding change: c.644del on transcript NM_007194.4 (MANE Select); coding-DNA position 644, one base deleted (C; older notation c.644delC).
Protein change: p.Ala215fs; shifts the reading frame from alanine 215.
Molecular consequence: frameshift variant. On other transcripts: 5 prime UTR variant (2), intron variant (1).
Genome position (GRCh38, 1-based): chr22:28,719,434, G deleted on the plus strand (C on the coding strand, the reverse complement: CHEK2 is on the minus strand). VCF-style (leftmost placement, unchanged base first): chr22-28719433-TG-T. GRCh37 (hg19) VCF-style: chr22-29115421-TG-T.
Other names: c.773del, p.Ala258fs (NM_001005735.3, NM_001438294.1); c.-20del (NM_001257387.3, NM_001437942.1); c.737del, p.Ala246fs (NM_001438293.1, NM_001438295.1); c.644del, p.Ala215fs (NM_145862.3); c.482+5452del (NM_001349956.3); short protein forms A258fs, A215fs, A246fs.
Identifiers: ClinVar variation 1398116 (VCV001398116.7), dbSNP rs2146006030, ClinGen allele CA2573158039.

ClinVar aggregate classification (germline): Pathogenic (1 of 4 stars; one submission).

Conditions:
Familial cancer of breast. Also called: hereditary breast carcinoma; Hereditary breast cancer; BREAST CANCER, FAMILIAL. Identifiers: Orphanet 227535, MedGen C0346153, MONDO:0016419, OMIM 114480. Disease mechanism: loss of function.

Submission:

Labcorp Genetics (formerly Invitae), Labcorp
Classification: Pathogenic for Familial cancer of breast. Last evaluated: 2021-05-31. Review status: criteria provided, single submitter. Criteria: Invitae Variant Classification Sherloc (09022015). Collection method: clinical testing. Allele origin: germline.
Comment: For these reasons, this variant has been classified as Pathogenic. This sequence change creates a premature translational stop signal (p.Ala215Aspfs*2) in the CHEK2 gene. It is expected to result in an absent or disrupted protein product. Loss-of-function variants in CHEK2 are known to be pathogenic (PMID: 21876083, 24713400). This variant is not present in population databases (ExAC no frequency). This variant has not been reported in the literature in individuals with CHEK2-related conditions.

Literature cited by the submitters: PubMed 21876083; PubMed 24713400.